The following is an entry in ClinVar:

ClinVar aggregate classification (germline): Uncertain significance. Review status: criteria provided, multiple submitters, no conflicts (2 of 4 stars). 3 submissions from 3 submitters: Uncertain significance (3). Last evaluated 2025-08-06.

Conditions:
Dyskeratosis congenita, autosomal dominant 2. Identifiers: MedGen C3151443, MONDO:0013521, OMIM 613989.
Idiopathic Pulmonary Fibrosis. Also called: Idiopathic fibrosing alveolitis, chronic form; idiopathic fibrosing alveolitis. Identifiers: Orphanet 2032, MedGen C1800706, MeSH D054990, MONDO:0800504.
Dyskeratosis congenita. Identifiers: Orphanet 1775, MedGen C0265965, MONDO:0015780.

Allele frequency attached by ClinVar (database versions not stated): gnomAD 0.00001; TOPMed 0.00001.
gnomAD v4.1: 1 of 1,613,948 alleles (0.000062%); highest among the groups gnomAD compares: Non-Finnish European, 0.000085%; no homozygotes.

Submissions (3):

Ambry Genetics
Classification: Uncertain significance for Dyskeratosis congenita. Last evaluated: 2025-08-06. Review status: criteria provided, single submitter. Criteria: Ambry Variant Classification Scheme 2023. Collection method: clinical testing. Allele origin: germline.
Comment: The p.N635S variant (also known as c.1904A>G), located in coding exon 4 of the TERT gene, results from an A to G substitution at nucleotide position 1904. The asparagine at codon 635 is replaced by serine, an amino acid with highly similar properties. This amino acid position is not well conserved in available vertebrate species. In addition, the in silico prediction for this alteration is inconclusive. Based on the available evidence, the clinical significance of this variant remains unclear.

Baylor Genetics
Classification: Uncertain significance for Dyskeratosis congenita, autosomal dominant 2. Last evaluated: 2024-01-27. Review status: criteria provided, single submitter. Criteria: ACMG Guidelines, 2015. Collection method: clinical testing. Allele origin: unknown.

Labcorp Genetics (formerly Invitae), Labcorp
Classification: Uncertain significance for Dyskeratosis congenita, autosomal dominant 2; Idiopathic Pulmonary Fibrosis. Last evaluated: 2023-08-08. Review status: criteria provided, single submitter. Criteria: Invitae Variant Classification Sherloc (09022015). Collection method: clinical testing. Allele origin: germline.
Comment: This sequence change replaces asparagine, which is neutral and polar, with serine, which is neutral and polar, at codon 635 of the TERT protein (p.Asn635Ser). This variant is not present in population databases (gnomAD no frequency). This variant has not been reported in the literature in individuals affected with TERT-related conditions. ClinVar contains an entry for this variant (Variation ID: 1438214). Algorithms developed to predict the effect of missense changes on protein structure and function output the following: SIFT: "Not Available"; PolyPhen-2: "Benign"; Align-GVGD: "Not Available". The serine amino acid residue is found in multiple mammalian species, which suggests that this missense change does not adversely affect protein function. Algorithms developed to predict the effect of sequence changes on RNA splicing suggest that this variant may create or strengthen a splice site. In summary, the available evidence is currently insufficient to determine the role of this variant in disease. Therefore, it has been classified as a Variant of Uncertain Significance.

NM_198253.3(TERT):c.1904A>G (p.Asn635Ser)

Gene: TERT (telomerase reverse transcriptase; minus strand). Cytogenetic location: 5p15.33.
Variant type: single nucleotide variant.
Coding change: c.1904A>G on transcript NM_198253.3 (MANE Select); coding-DNA position 1904, A replaced by G.
Protein change: p.Asn635Ser; replaces asparagine 635 with serine.
Molecular consequence: missense variant. On other transcripts: non-coding transcript variant (2).
Genome position (GRCh38, 1-based): chr5:1,280,204, T>C on the plus strand (A>G on the coding strand, the complement: TERT is on the minus strand). VCF-style: chr5-1280204-T-C. GRCh37 (hg19) VCF-style: chr5-1280319-T-C.
Other names: c.1904A>G (NM_198253.2); c.1904A>G, p.Asn635Ser (NM_001193376.3); short protein forms N635S.
Identifiers: ClinVar variation 1438214 (VCV001438214.8), dbSNP rs1749924823, ClinGen allele CA359081356.